The following is an entry in ClinVar:

NM_014251.3(SLC25A13):c.416G>A (p.Gly139Glu)

Gene: SLC25A13 (solute carrier family 25 member 13; minus strand). Cytogenetic location: 7q21.3.
Variant type: single nucleotide variant.
Coding change: c.416G>A on transcript NM_014251.3 (MANE Select); coding-DNA position 416, G replaced by A.
Protein change: p.Gly139Glu; replaces glycine 139 with glutamic acid.
Molecular consequence: missense variant. On other transcripts: non-coding transcript variant (1).
Genome position (GRCh38, 1-based): chr7:96,208,890, C>T on the plus strand (G>A on the coding strand, the complement: SLC25A13 is on the minus strand). VCF-style: chr7-96208890-C-T. GRCh37 (hg19) VCF-style: chr7-95838202-C-T.
Other names: c.416G>A, p.Gly139Glu (NM_001160210.2); short protein forms G139E.
Identifiers: ClinVar variation 1917949 (VCV001917949.2), dbSNP rs2485894302, ClinGen allele CA368406884.
Genomic context (GRCh38, chr7:96,208,890, plus strand): 5'-AGACCCACCAATAAAAACTGAGTAAATTCCGCATATGTCAGGTGTCTTTTTCTTTCTTTT[C>T]CAAAATGTAGTTGCACAAATTCTGAATCCCAGTTAAATGGAATATGTTGATGAATTGTGG-3'
Protein context (NP_055066.1, residues 129-149): WDSEFVQLHF[Gly139Glu]KERKRHLTYA

ClinVar aggregate classification (germline): Uncertain significance (1 of 4 stars; one submission).

Conditions:
Citrin deficiency. Identifiers: Orphanet 247582, MedGen C1997910, MONDO:0016602.

Submission:

Labcorp Genetics (formerly Invitae), Labcorp
Classification: Uncertain significance for Citrin deficiency. Last evaluated: 2022-03-01. Review status: criteria provided, single submitter. Criteria: Invitae Variant Classification Sherloc (09022015). Collection method: clinical testing. Allele origin: germline.
Comment: This sequence change replaces glycine, which is neutral and non-polar, with glutamic acid, which is acidic and polar, at codon 139 of the SLC25A13 protein (p.Gly139Glu). This variant is not present in population databases (gnomAD no frequency). This variant has not been reported in the literature in individuals affected with SLC25A13-related conditions. Algorithms developed to predict the effect of missense changes on protein structure and function are either unavailable or do not agree on the potential impact of this missense change (SIFT: "Deleterious"; PolyPhen-2: "Probably Damaging"; Align-GVGD: "Class C0"). In summary, the available evidence is currently insufficient to determine the role of this variant in disease. Therefore, it has been classified as a Variant of Uncertain Significance.